The following is an entry in ClinVar:

NM_032119.4(ADGRV1):c.7182T>G (p.Ile2394Met)

Gene: ADGRV1 (adhesion G protein-coupled receptor V1; plus strand). Cytogenetic location: 5q14.3.
Variant type: single nucleotide variant.
Coding change: c.7182T>G on transcript NM_032119.4 (MANE Select); coding-DNA position 7182, T replaced by G.
Protein change: p.Ile2394Met; replaces isoleucine 2394 with methionine.
Molecular consequence: missense variant. On other transcripts: non-coding transcript variant (1).
Genome position (GRCh38, 1-based): chr5:90,693,938, T>G. VCF-style: chr5-90693938-T-G. GRCh37 (hg19) VCF-style: chr5-89989755-T-G.
Other names: short protein forms I2394M.
Identifiers: ClinVar variation 1052124 (VCV001052124.7), dbSNP rs371276204, ClinGen allele CA3339992.

ClinVar aggregate classification (germline): Uncertain significance (1 of 4 stars; one submission).

Allele frequency attached by ClinVar (database versions not stated): gnomAD exomes 0.00001; TOPMed 0.00002; ExAC 0.00002; ESP Exome Variant Server 0.00025; gnomAD 0.00002.
gnomAD v4.1: 23 of 1,599,256 alleles (0.0014%); highest among the groups gnomAD compares: Non-Finnish European, 0.0016%; no homozygotes.

Submission:

Labcorp Genetics (formerly Invitae), Labcorp
Classification: Uncertain significance. Last evaluated: 2020-08-20. Review status: criteria provided, single submitter. Criteria: Invitae Variant Classification Sherloc (09022015). Collection method: clinical testing. Allele origin: germline.
Comment: In summary, the available evidence is currently insufficient to determine the role of this variant in disease. Therefore, it has been classified as a Variant of Uncertain Significance. Algorithms developed to predict the effect of missense changes on protein structure and function are either unavailable or do not agree on the potential impact of this missense change (SIFT: "Deleterious"; PolyPhen-2: "Benign"; Align-GVGD: "Class C0"). This variant has not been reported in the literature in individuals with ADGRV1-related conditions. This variant is present in population databases (rs371276204, ExAC 0.003%). This sequence change replaces isoleucine with methionine at codon 2394 of the ADGRV1 protein (p.Ile2394Met). The isoleucine residue is moderately conserved and there is a small physicochemical difference between isoleucine and methionine.